The following is an entry in ClinVar:

NM_003482.4(KMT2D):c.4402G>T (p.Gly1468Cys)

Gene: KMT2D (lysine methyltransferase 2D; minus strand). Cytogenetic location: 12q13.12.
Variant type: single nucleotide variant.
Coding change: c.4402G>T on transcript NM_003482.4 (MANE Select); coding-DNA position 4402, G replaced by T.
Protein change: p.Gly1468Cys; replaces glycine 1468 with cysteine.
Molecular consequence: missense variant.
Genome position (GRCh38, 1-based): chr12:49,046,625, C>A on the plus strand (G>T on the coding strand, the complement: KMT2D is on the minus strand). VCF-style: chr12-49046625-C-A. GRCh37 (hg19) VCF-style: chr12-49440408-C-A.
Other names: short protein forms G1468C.
Identifiers: ClinVar variation 2913771 (VCV002913771.5), dbSNP rs773072573, ClinGen allele CA6547841.

ClinVar aggregate classification (germline): Conflicting classifications of pathogenicity. Review status: criteria provided, conflicting classifications (1 of 4 stars). 3 submissions from 3 submitters: Uncertain significance (2); Benign (1). Last evaluated 2024-05-22.

Conditions:
Kabuki syndrome. Also called: Kabuki make-up syndrome; NIIKAWA-KUROKI SYNDROME. Identifiers: Orphanet 2322, MedGen C0796004, MONDO:0016512.

Allele frequency attached by ClinVar (database versions not stated): gnomAD exomes below 0.00001; ExAC 0.00001.
gnomAD v4.1: 4 of 1,611,804 alleles (0.00025%); highest among the groups gnomAD compares: Non-Finnish European, 0.00034%; no homozygotes.

Submissions (3):

Women's Health and Genetics/Laboratory Corporation of America, LabCorp
Classification: Uncertain significance. Last evaluated: 2024-05-22. Review status: criteria provided, single submitter. Criteria: LabCorp Variant Classification Summary - May 2015. Collection method: clinical testing. Allele origin: germline.
Comment: Variant summary: KMT2D c.4402G>T (p.Gly1468Cys) results in a non-conservative amino acid change located in the Zinc finger, PHD-type (IPR001965) of the encoded protein sequence. Four of five in-silico tools predict a damaging effect of the variant on protein function. The variant allele was found at a frequency of 1.2e-05 in 247658 control chromosomes. The available data on variant occurrences in the general population are insufficient to allow any conclusion about variant significance. To our knowledge, no occurrence of c.4402G>T in individuals affected with Kabuki Syndrome 1 and no experimental evidence demonstrating its impact on protein function have been reported. ClinVar contains an entry for this variant (Variation ID: 2913771). Based on the evidence outlined above, the variant was classified as uncertain significance.

Blueprint Genetics
Classification: Uncertain significance. Last evaluated: 2024-04-19. Review status: criteria provided, single submitter. Criteria: ACMG Guidelines, 2015. Collection method: clinical testing. Allele origin: germline.

Labcorp Genetics (formerly Invitae), Labcorp
Classification: Benign for Kabuki syndrome. Last evaluated: 2023-06-16. Review status: criteria provided, single submitter. Criteria: Invitae Variant Classification Sherloc (09022015). Collection method: clinical testing. Allele origin: germline.